The following is an entry in ClinVar:

NM_000292.3(PHKA2):c.44C>T (p.Ala15Val)

Gene: PHKA2 (phosphorylase kinase regulatory subunit alpha 2; minus strand). Cytogenetic location: Xp22.13.
Variant type: single nucleotide variant.
Coding change: c.44C>T on transcript NM_000292.3 (MANE Select); coding-DNA position 44, C replaced by T.
Protein change: p.Ala15Val; replaces alanine 15 with valine.
Molecular consequence: missense variant.
Genome position (GRCh38, 1-based): chrX:18,983,889, G>A on the plus strand (C>T on the coding strand, the complement: PHKA2 is on the minus strand). VCF-style: chrX-18983889-G-A. GRCh37 (hg19) VCF-style: chrX-19002007-G-A.
Other names: c.44C>T (NM_000292.2); short protein forms A15V.
Identifiers: ClinVar variation 2199998 (VCV002199998.5), dbSNP rs1222019951, ClinGen allele CA412382187.
Genomic context (GRCh38, chrX:18,983,889, plus strand): 5'-GTTCCCTGGGGGCGGTCCCTCCTTACCTGGTAACACAGGATGGTTTGCTGCACCAGCCGC[G>A]CGTACCCGTCCAAGCGGACCCCGGAATTGCTCCTGCTCCGCATCTCCCCGAGGCTCCCAG-3'
Protein context (NP_000283.1, residues 5-25): SNSGVRLDGY[Ala15Val]RLVQQTILCY

ClinVar aggregate classification (germline): Uncertain significance. Review status: criteria provided, multiple submitters, no conflicts (2 of 4 stars). 2 submissions from 2 submitters: Uncertain significance (2). Last evaluated 2024-02-28.

Conditions:
Inborn genetic diseases. Identifiers: MedGen C0950123, MeSH D030342.
Glycogen storage disease IXa1. Also called: GLYCOGEN STORAGE DISEASE VIII; GSD VIII; Glycogen storage disease 8; LIVER GLYCOGENOSIS, X-LINKED, TYPE I. Identifiers: Orphanet 264580, MedGen C3694531, MONDO:0010598, OMIM 306000.

Allele frequency attached by ClinVar (database versions not stated): TOPMed below 0.00001; gnomAD exomes 0.00001; gnomAD 0.00002.
gnomAD v4.1: 17 of 1,210,224 alleles (0.0014%); highest among the groups gnomAD compares: African/African-American, 0.021%; no homozygotes.

Submissions (2):

Ambry Genetics
Classification: Uncertain significance for Inborn genetic diseases. Last evaluated: 2024-02-28. Review status: criteria provided, single submitter. Criteria: Ambry Variant Classification Scheme 2023. Collection method: clinical testing. Allele origin: germline.

Labcorp Genetics (formerly Invitae), Labcorp
Classification: Uncertain significance for Glycogen storage disease IXa1. Last evaluated: 2022-02-08. Review status: criteria provided, single submitter. Criteria: Invitae Variant Classification Sherloc (09022015). Collection method: clinical testing. Allele origin: germline.
Comment: This variant has not been reported in the literature in individuals affected with PHKA2-related conditions. This variant is present in population databases (no rsID available, gnomAD no frequency). This sequence change replaces alanine, which is neutral and non-polar, with valine, which is neutral and non-polar, at codon 15 of the PHKA2 protein (p.Ala15Val). Algorithms developed to predict the effect of missense changes on protein structure and function (SIFT, PolyPhen-2, Align-GVGD) all suggest that this variant is likely to be tolerated. In summary, the available evidence is currently insufficient to determine the role of this variant in disease. Therefore, it has been classified as a Variant of Uncertain Significance. Algorithms developed to predict the effect of sequence changes on RNA splicing suggest that this variant may create or strengthen a splice site.